The following is an entry in ClinVar:

ClinVar aggregate classification (germline): Likely pathogenic. Review status: criteria provided, multiple submitters, no conflicts (2 of 4 stars). 2 submissions from 2 submitters: Likely pathogenic (2). Last evaluated 2025-12-23.

Conditions:
Autosomal recessive congenital ichthyosis 1 (LI1). Also called: COLLODION FETUS; DESQUAMATION OF NEWBORN; ICHTHYOSIS CONGENITA; ICHTHYOSIS CONGENITA II; LAMELLAR EXFOLIATION OF NEWBORN; ICHTHYOSIS, CONGENITAL, AUTOSOMAL RECESSIVE 1, WITH BATHING SUIT DISTRIBUTION. Identifiers: MedGen C4551630, MONDO:0009441, OMIM 242300.

Submissions (2):

Myriad Genetics, Inc.
Classification: Likely pathogenic for Autosomal recessive congenital ichthyosis 1. Last evaluated: 2025-12-23. Review status: criteria provided, single submitter. Criteria: Myriad Autosomal Dominant, Autosomal Recessive and X-Linked Classification Criteria (2023). Collection method: clinical testing. Allele origin: unknown.
Comment: NM_000359.2(TGM1):c.2089-1G>C is a variant in a canonical splice site classified as likely pathogenic in the context of TGM1-related autosomal recessive congenital ichthyosis. c.2089-1G>C has not been observed in cases with relevant disease. Relevant functional assessments of this variant are not available in the literature. c.2089-1G>C has not been observed in referenced population frequency databases. In summary, NM_000359.2(TGM1):c.2089-1G>C is a variant in a canonical splice site in a gene where loss of function is a known mechanism of disease and is predicted to disrupt protein function. Please note: this variant was assessed in the context of healthy population screening.

Labcorp Genetics (formerly Invitae), Labcorp
Classification: Likely pathogenic. Last evaluated: 2022-02-23. Review status: criteria provided, single submitter. Criteria: Invitae Variant Classification Sherloc (09022015). Collection method: clinical testing. Allele origin: germline.
Comment: In summary, the currently available evidence indicates that the variant is pathogenic, but additional data are needed to prove that conclusively. Therefore, this variant has been classified as Likely Pathogenic. Algorithms developed to predict the effect of sequence changes on RNA splicing suggest that this variant may disrupt the consensus splice site. This variant has not been reported in the literature in individuals affected with TGM1-related conditions. This variant is not present in population databases (gnomAD no frequency). This sequence change affects an acceptor splice site in intron 13 of the TGM1 gene. It is expected to disrupt RNA splicing. Variants that disrupt the donor or acceptor splice site typically lead to a loss of protein function (PMID: 16199547), and loss-of-function variants in TGM1 are known to be pathogenic (PMID: 18948357, 19241467).

Literature cited by the submitters: PubMed 16199547 (cited by Labcorp Genetics (formerly Invitae), Labcorp); PubMed 18948357 (cited by Labcorp Genetics (formerly Invitae), Labcorp); PubMed 19241467 (cited by Labcorp Genetics (formerly Invitae), Labcorp).

NM_000359.3(TGM1):c.2089-1G>C

Gene: TGM1 (transglutaminase 1; minus strand). Cytogenetic location: 14q12.
Variant type: single nucleotide variant.
Coding change: c.2089-1G>C on transcript NM_000359.3 (MANE Select); the canonical splice acceptor site of the intron before coding-DNA position 2089, G replaced by C.
Molecular consequence: splice acceptor variant.
Genome position (GRCh38, 1-based): chr14:24,254,289, C>G on the plus strand (G>C on the coding strand, the complement: TGM1 is on the minus strand). VCF-style: chr14-24254289-C-G. GRCh37 (hg19) VCF-style: chr14-24723495-C-G.
Identifiers: ClinVar variation 2102509 (VCV002102509.5), dbSNP rs2502491954, ClinGen allele CA389246810.